The following is an entry in ClinVar:

NM_004369.4(COL6A3):c.1194G>C (p.Leu398Phe)

Gene: COL6A3 (collagen type VI alpha 3 chain; minus strand). Cytogenetic location: 2q37.3.
Variant type: single nucleotide variant.
Coding change: c.1194G>C on transcript NM_004369.4 (MANE Select); coding-DNA position 1194, G replaced by C.
Protein change: p.Leu398Phe; replaces leucine 398 with phenylalanine.
Molecular consequence: missense variant. On other transcripts: intron variant (2).
Genome position (GRCh38, 1-based): chr2:237,387,700, C>G on the plus strand (G>C on the coding strand, the complement: COL6A3 is on the minus strand). VCF-style: chr2-237387700-C-G. GRCh37 (hg19) VCF-style: chr2-238296343-C-G.
Other names: c.576G>C, p.Leu192Phe (NM_057165.5, NM_057167.4); c.92-6201G>C (NM_057166.5, NM_057164.5); short protein forms L192F, L398F.
Identifiers: ClinVar variation 841058 (VCV000841058.10), dbSNP rs2078180823, ClinGen allele CA351221153.

ClinVar aggregate classification (germline): Uncertain significance (1 of 4 stars; one submission).

Conditions:
Bethlem myopathy 1A. Also called: MYOPATHY, BENIGN CONGENITAL, WITH CONTRACTURES; Bethlem Muscular Dystrophy; Bethlem myopathy 1. Identifiers: Orphanet 610, MedGen CN029274, MONDO:0024530, OMIM 158810.

Submission:

Labcorp Genetics (formerly Invitae), Labcorp
Classification: Uncertain significance for Bethlem myopathy 1A. Last evaluated: 2022-06-04. Review status: criteria provided, single submitter. Criteria: Invitae Variant Classification Sherloc (09022015). Collection method: clinical testing. Allele origin: germline.
Comment: ClinVar contains an entry for this variant (Variation ID: 841058). This variant has not been reported in the literature in individuals affected with COL6A3-related conditions. This variant is not present in population databases (gnomAD no frequency). This sequence change replaces leucine, which is neutral and non-polar, with phenylalanine, which is neutral and non-polar, at codon 398 of the COL6A3 protein (p.Leu398Phe). In summary, the available evidence is currently insufficient to determine the role of this variant in disease. Therefore, it has been classified as a Variant of Uncertain Significance. Advanced modeling of protein sequence and biophysical properties (such as structural, functional, and spatial information, amino acid conservation, physicochemical variation, residue mobility, and thermodynamic stability) performed at Invitae indicates that this missense variant is not expected to disrupt COL6A3 protein function.